The following is an entry in ClinVar:

NM_001077415.3(CRELD1):c.95C>T (p.Ser32Phe)

Gene: CRELD1 (CRELD disulfide isomerase 1; plus strand). Cytogenetic location: 3p25.3.
Variant type: single nucleotide variant.
Coding change: c.95C>T on transcript NM_001077415.3 (MANE Select); coding-DNA position 95, C replaced by T.
Protein change: p.Ser32Phe; replaces serine 32 with phenylalanine.
Molecular consequence: missense variant. On other transcripts: non-coding transcript variant (3).
Genome position (GRCh38, 1-based): chr3:9,934,533, C>T. VCF-style: chr3-9934533-C-T. GRCh37 (hg19) VCF-style: chr3-9976217-C-T.
Other names: c.95C>T, p.Ser32Phe (NM_001031717.4, NM_001374316.1, NM_001374317.1 and 4 more transcripts); c.95C>T (NM_015513.4); short protein forms S32F.
Identifiers: ClinVar variation 849743 (VCV000849743.7), dbSNP rs770083161, ClinGen allele CA2247560.
Genomic context (GRCh38, chr3:9,934,533, plus strand): 5'-CTATGCTCTGGGGCCTCAGCCTCTTCCTCAACCTCCCAGGACCTATCTGGCTCCAGCCCT[C>T]TCCACCTCCCCAGTCTTCTCCCCCGCCTCAGCCCCATCCGTGTCATACCTGCCGGGGACT-3'
Protein context (NP_001070883.2, residues 22-42): NLPGPIWLQP[Ser32Phe]PPPQSSPPPQ

ClinVar aggregate classification (germline): Uncertain significance. Review status: criteria provided, multiple submitters, no conflicts (2 of 4 stars). 2 submissions from 2 submitters: Uncertain significance (2). Last evaluated 2024-04-29.

Conditions:
Atrioventricular septal defect, susceptibility to, 2. Identifiers: MedGen C1853508, MONDO:0011650, OMIM 606217.
Inborn genetic diseases. Identifiers: MedGen C0950123, MeSH D030342.

Allele frequency attached by ClinVar (database versions not stated): TOPMed below 0.00001; ExAC 0.00001; gnomAD 0.00001; gnomAD exomes 0.00001.
gnomAD v4.1: 22 of 1,613,998 alleles (0.0014%); highest among the groups gnomAD compares: Non-Finnish European, 0.0019%; no homozygotes.

Submissions (2):

Ambry Genetics
Classification: Uncertain significance for Inborn genetic diseases. Last evaluated: 2024-04-29. Review status: criteria provided, single submitter. Criteria: Ambry Variant Classification Scheme 2023. Collection method: clinical testing. Allele origin: germline.

Labcorp Genetics (formerly Invitae), Labcorp
Classification: Uncertain significance for Atrioventricular septal defect, susceptibility to, 2. Last evaluated: 2022-12-02. Review status: criteria provided, single submitter. Criteria: Invitae Variant Classification Sherloc (09022015). Collection method: clinical testing. Allele origin: germline.
Comment: This variant is present in population databases (rs770083161, gnomAD 0.002%). This sequence change replaces serine, which is neutral and polar, with phenylalanine, which is neutral and non-polar, at codon 32 of the CRELD1 protein (p.Ser32Phe). In summary, the available evidence is currently insufficient to determine the role of this variant in disease. Therefore, it has been classified as a Variant of Uncertain Significance. Algorithms developed to predict the effect of missense changes on protein structure and function (SIFT, PolyPhen-2, Align-GVGD) all suggest that this variant is likely to be tolerated. ClinVar contains an entry for this variant (Variation ID: 849743). This variant has not been reported in the literature in individuals affected with CRELD1-related conditions.